The following is an entry in ClinVar:

ClinVar aggregate classification (germline): Uncertain significance. Review status: criteria provided, multiple submitters, no conflicts (2 of 4 stars). 2 submissions from 2 submitters: Uncertain significance (2). Last evaluated 2022-06-24.

Conditions:
Inborn genetic diseases. Identifiers: MedGen C0950123, MeSH D030342.
Autosomal dominant childhood-onset proximal spinal muscular atrophy with contractures (SMALED2A). Also called: SPINAL MUSCULAR ATROPHY, LOWER EXTREMITY-PREDOMINANT, 2A, CHILDHOOD ONSET, AUTOSOMAL DOMINANT; Spinal muscular atrophy, lower extremity-predominant, 2A, autosomal dominant. Identifiers: Orphanet 363447, Orphanet 363454, MedGen C4747715, MONDO:0014121, OMIM 615290.

Allele frequency attached by ClinVar (database versions not stated): gnomAD exomes below 0.00001; gnomAD 0.00001; ExAC 0.00002; 1000 Genomes Project 30x 0.00016; 1000 Genomes Project 0.00020.
gnomAD v4.1: 5 of 1,590,634 alleles (0.00031%); highest among the groups gnomAD compares: East Asian, 0.0023%; no homozygotes.

Submissions (2):

Labcorp Genetics (formerly Invitae), Labcorp
Classification: Uncertain significance for Autosomal dominant childhood-onset proximal spinal muscular atrophy with contractures. Last evaluated: 2022-06-24. Review status: criteria provided, single submitter. Criteria: Invitae Variant Classification Sherloc (09022015). Collection method: clinical testing. Allele origin: germline.
Comment: In summary, the available evidence is currently insufficient to determine the role of this variant in disease. Therefore, it has been classified as a Variant of Uncertain Significance. Advanced modeling of protein sequence and biophysical properties (such as structural, functional, and spatial information, amino acid conservation, physicochemical variation, residue mobility, and thermodynamic stability) performed at Invitae indicates that this missense variant is expected to disrupt BICD2 protein function. This missense change has been observed in at least one individual who was not affected with BICD2-related conditions (Invitae). This variant has not been reported in the literature in individuals affected with BICD2-related conditions. The frequency data for this variant in the population databases is considered unreliable, as metrics indicate poor data quality at this position in the gnomAD database. This sequence change replaces arginine, which is basic and polar, with tryptophan, which is neutral and slightly polar, at codon 28 of the BICD2 protein (p.Arg28Trp).

Ambry Genetics
Classification: Uncertain significance for Inborn genetic diseases. Last evaluated: 2019-11-04. Review status: criteria provided, single submitter. Criteria: Ambry Variant Classification Scheme 2023. Collection method: clinical testing. Allele origin: germline.
Comment: The p.R28W variant (also known as c.82C>T), located in coding exon 1 of the BICD2 gene, results from a C to T substitution at nucleotide position 82. The arginine at codon 28 is replaced by tryptophan, an amino acid with dissimilar properties. This amino acid position is well conserved in available vertebrate species. In addition, the in silico prediction for this alteration is inconclusive. Since supporting evidence is limited at this time, the clinical significance of this alteration remains unclear.

NM_001003800.2(BICD2):c.82C>T (p.Arg28Trp)

Gene: BICD2 (BICD cargo adaptor 2; minus strand). Cytogenetic location: 9q22.31.
Variant type: single nucleotide variant.
Coding change: c.82C>T on transcript NM_001003800.2 (MANE Select); coding-DNA position 82, C replaced by T.
Protein change: p.Arg28Trp; replaces arginine 28 with tryptophan.
Molecular consequence: missense variant.
Genome position (GRCh38, 1-based): chr9:92,764,663, G>A on the plus strand (C>T on the coding strand, the complement: BICD2 is on the minus strand). VCF-style: chr9-92764663-G-A. GRCh37 (hg19) VCF-style: chr9-95526945-G-A.
Other names: c.82C>T, p.Arg28Trp (NM_015250.4); short protein forms R28W.
Identifiers: ClinVar variation 1762819 (VCV001762819.7), dbSNP rs563260309, ClinGen allele CA5126882.